The following is an entry in ClinVar:

NM_080424.4(SP110):c.1339C>G (p.His447Asp)

Gene: SP110 (SP110 nuclear body protein; minus strand). Cytogenetic location: 2q37.1.
Variant type: single nucleotide variant.
Coding change: c.1339C>G on transcript NM_080424.4 (MANE Select); coding-DNA position 1339, C replaced by G.
Protein change: p.His447Asp; replaces histidine 447 with aspartic acid.
Molecular consequence: missense variant.
Genome position (GRCh38, 1-based): chr2:230,183,581, G>C on the plus strand (C>G on the coding strand, the complement: SP110 is on the minus strand). VCF-style: chr2-230183581-G-C. GRCh37 (hg19) VCF-style: chr2-231048297-G-C.
Other names: c.1339C>G (NM_004509.3); c.1357C>G, p.His453Asp (NM_001185015.2, NM_001378442.1, NM_001378444.1 and 2 more transcripts); c.1339C>G, p.His447Asp (NM_001378443.1, NM_004509.5, NM_004510.4); c.1189C>G, p.His397Asp (NM_001378447.1); short protein forms H447D, H453D, H397D.
Identifiers: ClinVar variation 1905207 (VCV001905207.3), dbSNP rs201792914, ClinGen allele CA2154543.

ClinVar aggregate classification (germline): Uncertain significance. Review status: criteria provided, multiple submitters, no conflicts (2 of 4 stars). 2 submissions from 2 submitters: Uncertain significance (2). Last evaluated 2024-05-28.

Conditions:
Inborn genetic diseases. Identifiers: MedGen C0950123, MeSH D030342.
Hepatic veno-occlusive disease-immunodeficiency syndrome. Also called: Hepatic Veno-Occlusive Disease with Immunodeficiency. Identifiers: Orphanet 79124, MedGen C1856128, MONDO:0009338, OMIM 235550. Disease mechanism: loss of function.

Allele frequency attached by ClinVar (database versions not stated): TOPMed below 0.00001; gnomAD 0.00001; gnomAD exomes 0.00004; ExAC 0.00005.
gnomAD v4.1: 57 of 1,609,400 alleles (0.0035%); highest among the groups gnomAD compares: South Asian, 0.055%; no homozygotes.

Submissions (2):

Ambry Genetics
Classification: Uncertain significance for Inborn genetic diseases. Last evaluated: 2024-05-28. Review status: criteria provided, single submitter. Criteria: Ambry Variant Classification Scheme 2023. Collection method: clinical testing. Allele origin: germline.

Labcorp Genetics (formerly Invitae), Labcorp
Classification: Uncertain significance for Hepatic veno-occlusive disease-immunodeficiency syndrome. Last evaluated: 2022-08-21. Review status: criteria provided, single submitter. Criteria: Invitae Variant Classification Sherloc (09022015). Collection method: clinical testing. Allele origin: germline.
Comment: This sequence change replaces histidine, which is basic and polar, with aspartic acid, which is acidic and polar, at codon 447 of the SP110 protein (p.His447Asp). This variant is present in population databases (rs201792914, gnomAD 0.06%). This variant has not been reported in the literature in individuals affected with SP110-related conditions. Algorithms developed to predict the effect of missense changes on protein structure and function (SIFT, PolyPhen-2, Align-GVGD) all suggest that this variant is likely to be tolerated. Algorithms developed to predict the effect of sequence changes on RNA splicing suggest that this variant may disrupt the consensus splice site. In summary, the available evidence is currently insufficient to determine the role of this variant in disease. Therefore, it has been classified as a Variant of Uncertain Significance.